The following is an entry in ClinVar:

NM_003705.5(SLC25A12):c.331G>T (p.Val111Phe)

Gene: SLC25A12 (solute carrier family 25 member 12; minus strand). Cytogenetic location: 2q31.1.
Variant type: single nucleotide variant.
Coding change: c.331G>T on transcript NM_003705.5 (MANE Select); coding-DNA position 331, G replaced by T.
Protein change: p.Val111Phe; replaces valine 111 with phenylalanine.
Molecular consequence: missense variant. On other transcripts: non-coding transcript variant (1).
Genome position (GRCh38, 1-based): chr2:171,844,503, C>A on the plus strand (G>T on the coding strand, the complement: SLC25A12 is on the minus strand). VCF-style: chr2-171844503-C-A. GRCh37 (hg19) VCF-style: chr2-172701013-C-A.
Other names: short protein forms V111F.
Identifiers: ClinVar variation 959563 (VCV000959563.9), dbSNP rs1684750217, ClinGen allele CA349626618.

ClinVar aggregate classification (germline): Uncertain significance (1 of 4 stars; one submission).

Submission:

Labcorp Genetics (formerly Invitae), Labcorp
Classification: Uncertain significance. Last evaluated: 2019-10-26. Review status: criteria provided, single submitter. Criteria: Invitae Variant Classification Sherloc (09022015). Collection method: clinical testing. Allele origin: germline.
Comment: In summary, the available evidence is currently insufficient to determine the role of this variant in disease. Therefore, it has been classified as a Variant of Uncertain Significance. Algorithms developed to predict the effect of missense changes on protein structure and function (SIFT, PolyPhen-2, Align-GVGD) all suggest that this variant is likely to be tolerated, but these predictions have not been confirmed by published functional studies and their clinical significance is uncertain. This variant has not been reported in the literature in individuals with SLC25A12-related conditions. This variant is not present in population databases (ExAC no frequency). This sequence change replaces valine with phenylalanine at codon 111 of the SLC25A12 protein (p.Val111Phe). The valine residue is moderately conserved and there is a small physicochemical difference between valine and phenylalanine.